The following is an entry in ClinVar:

NM_000078.3(CETP):c.1230T>A (p.Thr410=)

Gene: CETP (cholesteryl ester transfer protein; plus strand). Cytogenetic location: 16q13.
Variant type: single nucleotide variant.
Coding change: c.1230T>A on transcript NM_000078.3 (MANE Select); coding-DNA position 1230, T replaced by A.
Protein change: p.Thr410=; no amino-acid change (threonine 410 retained).
Molecular consequence: synonymous variant.
Genome position (GRCh38, 1-based): chr16:56,981,662, T>A. VCF-style: chr16-56981662-T-A. GRCh37 (hg19) VCF-style: chr16-57015574-T-A.
Other names: p.Thr410=; c.1050T>A, p.Thr350= (NM_001286085.2); c.1230T>A (NM_000078.2).
Identifiers: ClinVar variation 1459075 (VCV001459075.10), dbSNP rs377469867, ClinGen allele CA8071304.
Genomic context (GRCh38, chr16:56,981,662, plus strand): 5'-GGGGGCCCAATGGAGGGTCAAATTATCATCGCTTTTTTATTTCAGGATTACACCAAAGAC[T>A]GTTTCCAACTTGACTGAGGTAGGTAGTCTTGGATAGACTGGGGGAAATAAGTCCTGTGGG-3'
Protein context (NP_000069.2, residues 400-420): SLLDFQITPK[Thr410=]VSNLTESSSE

ClinVar aggregate classification (germline): Likely benign. Review status: criteria provided, multiple submitters, no conflicts (2 of 4 stars). 3 submissions from 3 submitters: Likely benign (2). 1 of the submissions does not count toward it. Last evaluated 2025-10-23.

Conditions:
CETP-related disorder. Also called: CETP-related condition.

Allele frequency attached by ClinVar (database versions not stated): TOPMed 0.00013; ESP Exome Variant Server 0.00015; gnomAD 0.00016.
gnomAD v4.1: 330 of 1,613,882 alleles (0.02%); highest among the groups gnomAD compares: Non-Finnish European, 0.027%; no homozygotes.

Submissions (3):

Labcorp Genetics (formerly Invitae), Labcorp
Classification: Likely benign. Last evaluated: 2025-10-23. Review status: criteria provided, single submitter. Criteria: Invitae Variant Classification Sherloc (09022015). Collection method: clinical testing. Allele origin: germline.

Mayo Clinic Laboratories, Mayo Clinic
Classification: Likely benign. Last evaluated: 2025-04-11. Review status: criteria provided, single submitter. Criteria: ACMG Guidelines, 2015. Collection method: clinical testing. Allele origin: germline. Observed: 1 variant allele.
Comment: BP4, BP7

PreventionGenetics, part of Exact Sciences
Classification: Likely benign for CETP-related condition. Last evaluated: 2024-03-11. Review status: no assertion criteria provided. Collection method: clinical testing. Allele origin: germline. Not counted in ClinVar's aggregate classification.
Comment: This variant is classified as likely benign based on ACMG/AMP sequence variant interpretation guidelines (Richards et al. 2015 PMID: 25741868, with internal and published modifications).